The following is an entry in ClinVar:

NM_001791.4(CDC42):c.415C>T (p.Pro139Ser)

Gene: CDC42 (cell division cycle 42; plus strand). Cytogenetic location: 1p36.12.
Variant type: single nucleotide variant.
Coding change: c.415C>T on transcript NM_001791.4 (MANE Select); coding-DNA position 415, C replaced by T.
Protein change: p.Pro139Ser; replaces proline 139 with serine.
Molecular consequence: missense variant.
Genome position (GRCh38, 1-based): chr1:22,086,795, C>T. VCF-style: chr1-22086795-C-T. GRCh37 (hg19) VCF-style: chr1-22413288-C-T.
Other names: c.415C>T, p.Pro139Ser (NM_001039802.2, NM_044472.3); short protein forms P139S.
Identifiers: ClinVar variation 2820322 (VCV002820322.3), dbSNP rs1405901539, ClinGen allele CA338907623.

ClinVar aggregate classification (germline): Uncertain significance (1 of 4 stars; one submission).

Submission:

Labcorp Genetics (formerly Invitae), Labcorp
Classification: Uncertain significance. Last evaluated: 2022-12-13. Review status: criteria provided, single submitter. Criteria: Invitae Variant Classification Sherloc (09022015). Collection method: clinical testing. Allele origin: germline.
Comment: In summary, the available evidence is currently insufficient to determine the role of this variant in disease. Therefore, it has been classified as a Variant of Uncertain Significance. Algorithms developed to predict the effect of missense changes on protein structure and function (SIFT, PolyPhen-2, Align-GVGD) all suggest that this variant is likely to be tolerated. This variant has not been reported in the literature in individuals affected with CDC42-related conditions. This variant is not present in population databases (gnomAD no frequency). This sequence change replaces proline, which is neutral and non-polar, with serine, which is neutral and polar, at codon 139 of the CDC42 protein (p.Pro139Ser).